The following is an entry in ClinVar:

NM_018100.4(EFHC1):c.1776A>G (p.Gly592=)

Gene: EFHC1 (EF-hand domain containing 1; plus strand). Cytogenetic location: 6p12.2.
Variant type: single nucleotide variant.
Coding change: c.1776A>G on transcript NM_018100.4 (MANE Select); coding-DNA position 1776, A replaced by G.
Protein change: p.Gly592=; no amino-acid change (glycine 592 retained).
Molecular consequence: synonymous variant. On other transcripts: non-coding transcript variant (1).
Genome position (GRCh38, 1-based): chr6:52,490,275, A>G. VCF-style: chr6-52490275-A-G. GRCh37 (hg19) VCF-style: chr6-52355073-A-G.
Other names: c.1719A>G, p.Gly573= (NM_001172420.2).
Identifiers: ClinVar variation 647359 (VCV000647359.10), dbSNP rs1581854375, ClinGen allele CA450428111.

ClinVar aggregate classification (germline): Uncertain significance (1 of 4 stars; one submission).

Conditions:
Myoclonic epilepsy, juvenile, susceptibility to, 1. Also called: Myoclonic Epilepsy, Juvenile, 1; EJM1. Identifiers: MedGen C1850778, MONDO:0020752, OMIM 254770.
Absence seizure. Also called: Absence epilepsy. Identifiers: Orphanet 1941, MedGen C0014553.

gnomAD v4.1: 6 of 1,614,166 alleles (0.00037%); highest among the groups gnomAD compares: Non-Finnish European, 0.00051%; no homozygotes.

Submission:

Labcorp Genetics (formerly Invitae), Labcorp
Classification: Uncertain significance for Myoclonic epilepsy, juvenile, susceptibility to, 1; Absence seizure. Last evaluated: 2018-11-01. Review status: criteria provided, single submitter. Criteria: Invitae Variant Classification Sherloc (09022015). Collection method: clinical testing. Allele origin: germline.
Comment: In summary, the available evidence is currently insufficient to determine the role of this variant in disease. Therefore, it has been classified as a Variant of Uncertain Significance. Algorithms developed to predict the effect of sequence changes on RNA splicing suggest that this variant may create or strengthen a splice site, but this prediction has not been confirmed by published transcriptional studies. This variant has not been reported in the literature in individuals with EFHC1-related disease. This variant is not present in population databases (ExAC no frequency). This sequence change affects codon 592 of the EFHC1 mRNA. It is a 'silent' change, meaning that it does not change the encoded amino acid sequence of the EFHC1 protein.